The following is an entry in ClinVar:

NM_001042492.3(NF1):c.3762C>G (p.Tyr1254Ter)

Gene: NF1 (neurofibromin 1; plus strand). Cytogenetic location: 17q11.2.
Variant type: single nucleotide variant.
Coding change: c.3762C>G on transcript NM_001042492.3 (MANE Select); coding-DNA position 3762, C replaced by G.
Protein change: p.Tyr1254Ter; replaces tyrosine 1254 with a stop codon.
Molecular consequence: nonsense.
Genome position (GRCh38, 1-based): chr17:31,235,664, C>G. VCF-style: chr17-31235664-C-G. GRCh37 (hg19) VCF-style: chr17-29562682-C-G.
Other names: c.3762C>G, p.Tyr1254Ter (NM_000267.4); short protein forms Y1254*.
Identifiers: ClinVar variation 4685750 (VCV004685750.1).
Genomic context (GRCh38, chr17:31,235,664, plus strand): 5'-TTCTCAGGATGAACTAGCTCGAGTTCTGGTTACTCTGTTTGATTCTCGGCATTTACTCTA[C>G]CAACTGCTCTGGAACATGTTTTCTAAAGAAGTAGAATTGGCAGACTCCATGCAGACTCTC-3'

ClinVar aggregate classification (germline): Pathogenic (1 of 4 stars; one submission).

Submission:

ARUP Laboratories, Molecular Genetics and Genomics, ARUP Laboratories
Classification: Pathogenic. Last evaluated: 2025-04-11. Review status: criteria provided, single submitter. Criteria: ARUP Molecular Germline Variant Investigation Process 2024. Collection method: clinical testing. Allele origin: germline.
Comment: The NF1 c.3762C>G; p.Tyr1254Ter variant, to our knowledge, is not reported in the medical literature or gene specific databases. This variant is also absent from the Genome Aggregation Database (v2.1.1), indicating it is not a common polymorphism. This variant induces an early termination codon and is predicted to result in a truncated protein or mRNA subject to nonsense-mediated decay. Another substitution leading to a termination codon at the same position (c.3762C>A) has been reported in an individual with neurofibromatosis and is considered disease-causing (Wimmer 2007). Based on available information, the c.3762C>G; p.Tyr1254Ter variant is considered to be pathogenic. References: Wimmer K et al. Extensive in silico analysis of NF1 splicing defects uncovers determinants for splicing outcome upon 5' splice-site disruption. Hum Mutat. 2007 Jun;28(6):599-612. PMID: 17311297.